The following is an entry in ClinVar:

ClinVar aggregate classification (germline): Benign/Likely benign. Review status: criteria provided, multiple submitters, no conflicts (2 of 4 stars). 7 submissions from 7 submitters: Benign (2); Likely benign (1). 4 of the submissions do not count toward it. Last evaluated 2026-02-03.

Conditions:
Hypertrophic cardiomyopathy 2. Also called: TNNT2-Related Familial Hypertrophic Cardiomyopathy. Identifiers: MedGen C1861864, MONDO:0007266, OMIM 115195.
Dilated cardiomyopathy 1O (CMD1O). Also called: CARDIOMYOPATHY, DILATED, WITH VENTRICULAR TACHYCARDIA. Identifiers: Orphanet 154, MedGen C1837839, MONDO:0012062, OMIM 608569.

Submissions (7):

Labcorp Genetics (formerly Invitae), Labcorp
Classification: Benign for Dilated cardiomyopathy 1O. Last evaluated: 2026-02-03. Review status: criteria provided, single submitter. Criteria: Invitae Variant Classification Sherloc (09022015). Collection method: clinical testing. Allele origin: germline.

Blueprint Genetics
Classification: Likely benign. Last evaluated: 2024-11-27. Review status: criteria provided, single submitter. Criteria: ACMG Guidelines, 2015. Collection method: clinical testing. Allele origin: germline.

Women's Health and Genetics/Laboratory Corporation of America, LabCorp
Classification: Benign. Last evaluated: 2020-03-02. Review status: criteria provided, single submitter. Criteria: LabCorp Variant Classification Summary - May 2015. Collection method: clinical testing. Allele origin: germline.
Comment: Variant summary: ABCC9 c.817-18dupT alters a non-conserved nucleotide located close to a canonical splice site and therefore could affect mRNA splicing, leading to a significantly altered protein sequence. 4/4 computational tools predict no significant impact on normal splicing. However, these predictions have yet to be confirmed by functional studies. The variant allele was found at a frequency of 0.039 in 103156 control chromosomes in the gnomAD database, including 13 homozygotes. The observed variant frequency is approximately 1555-fold the estimated maximal expected allele frequency for a pathogenic variant in ABCC9 causing Cardiomyopathy phenotype (2.5e-05), strongly suggesting that the variant is benign. To our knowledge, no occurrence of c.817-18dupT in individuals affected with Cardiomyopathy and no experimental evidence demonstrating its impact on protein function have been reported. No clinical diagnostic laboratories have submitted clinical-significance assessments for this variant to ClinVar after 2014. Based on the evidence outlined above, the variant was classified as benign.

Clinical Genetics DNA and cytogenetics Diagnostics Lab, Erasmus MC, Erasmus Medical Center
Classification: Benign. Review status: no assertion criteria provided. Collection method: clinical testing. Allele origin: germline. Affected: yes. Study: VKGL Data-share Consensus. Not counted in ClinVar's aggregate classification.

Clinical Genetics, Academic Medical Center
Classification: Benign. Review status: no assertion criteria provided. Collection method: clinical testing. Allele origin: germline. Affected: yes. Study: VKGL Data-share Consensus. Not counted in ClinVar's aggregate classification.

Genome Diagnostics Laboratory, University Medical Center Utrecht
Classification: Benign. Review status: no assertion criteria provided. Collection method: clinical testing. Allele origin: germline. Affected: yes. Study: VKGL Data-share Consensus. Not counted in ClinVar's aggregate classification.

Institute of Human Genetics, University of Wuerzburg
Classification: Benign for Hypertrophic cardiomyopathy 2. Review status: no assertion criteria provided. Collection method: clinical testing. Allele origin: unknown. Affected: yes. Observed: 1 variant allele. Not counted in ClinVar's aggregate classification.

NM_020297.4(ABCC9):c.817-18dup

Gene: ABCC9 (ATP binding cassette subfamily C member 9; minus strand). Cytogenetic location: 12p12.1.
Variant type: Duplication.
Coding change: c.817-18dup on transcript NM_020297.4 (MANE Select); 18 bases into the intron before coding-DNA position 817, one base duplicated (T; older notation c.817-18dupT).
Molecular consequence: intron variant.
Genome position (GRCh38, 1-based): chr12:21,913,084, A duplicated on the plus strand (T on the coding strand, the reverse complement: ABCC9 is on the minus strand); the first of 10 consecutive A bases (chr12:21,913,084-21,913,093); duplicating any one gives the same sequence. VCF-style (leftmost placement, unchanged base first): chr12-21913083-G-GA. GRCh37 (hg19) VCF-style: chr12-22066017-G-GA.
Other names: c.-48-18dup (NM_001377274.1); c.817-18dup (NM_005691.4, NM_001377273.1); c.817-18dupT (NM_005691.3).
Identifiers: ClinVar variation 918160 (VCV000918160.13), dbSNP rs199947733, ClinGen allele CA6481800.